The following is an entry in ClinVar:

NM_025114.4(CEP290):c.4716A>G (p.Glu1572=)

Gene: CEP290 (centrosomal protein 290; minus strand). Cytogenetic location: 12q21.32.
Variant type: single nucleotide variant.
Coding change: c.4716A>G on transcript NM_025114.4 (MANE Select); coding-DNA position 4716, A replaced by G.
Protein change: p.Glu1572=; no amino-acid change (glutamic acid 1572 retained).
Molecular consequence: synonymous variant.
Genome position (GRCh38, 1-based): chr12:88,083,943, T>C on the plus strand (A>G on the coding strand, the complement: CEP290 is on the minus strand). VCF-style: chr12-88083943-T-C. GRCh37 (hg19) VCF-style: chr12-88477720-T-C.
Identifiers: ClinVar variation 4987683 (VCV004987683.1).
Genomic context (GRCh38, chr12:88,083,943, plus strand): 5'-AGCCTGTAGTTCTAATCTGTGATGAAGAATATGAAGGTCTTCCTCATGTTTCTTCACAAT[T>C]TCTCTTTGCTCCTGTTTTACAGAAAATCGAAACTATATCTTAAATTGTGATTAAAACAAA-3'
Protein context (NP_079390.3, residues 1562-1582): LLEKAREEQR[Glu1572=]IVKKHEEDLH

ClinVar aggregate classification (germline): Likely benign (1 of 4 stars; one submission).

Conditions:
CEP290-related disorder. Also called: CEP290-related disorders; CEP290-related condition. Identifiers: MedGen CN239314.

Submission:

PreventionGenetics, part of Exact Sciences
Classification: Likely benign for CEP290-related condition. Last evaluated: 2024-10-28. Review status: criteria provided, single submitter. Criteria: ACMG Guidelines, 2015. Collection method: clinical testing. Allele origin: germline.
Comment: This variant is classified as likely benign based on ACMG/AMP sequence variant interpretation guidelines (Richards et al. 2015 PMID: 25741868, with internal and published modifications).